The following is an entry in ClinVar:

NM_000551.4(VHL):c.-69C>A

Gene: VHL (von Hippel-Lindau tumor suppressor; plus strand). Cytogenetic location: 3p25.3.
Variant type: single nucleotide variant.
Coding change: c.-69C>A on transcript NM_000551.4 (MANE Select); 69 bases upstream of the start codon, C replaced by A.
Molecular consequence: 5 prime UTR variant. On other transcripts: non-coding transcript variant (1).
Genome position (GRCh38, 1-based): chr3:10,141,779, C>A. VCF-style: chr3-10141779-C-A. GRCh37 (hg19) VCF-style: chr3-10183463-C-A.
Other names: c.-69C>A (NM_001354723.2, NM_198156.3).
Identifiers: ClinVar variation 4758372 (VCV004758372.1).

ClinVar aggregate classification (germline): Uncertain significance (1 of 4 stars; one submission).

Conditions:
Von Hippel-Lindau syndrome (VHLS). Also called: von Hippel–Lindau syndrome; VHL syndrome; Von Hippel-Lindau. Identifiers: Orphanet 892, MedGen C0019562, MONDO:0008667, OMIM 193300. Disease mechanism: loss of function.

gnomAD v4.1: 2 of 1,513,614 alleles (0.00013%); highest among the groups gnomAD compares: Admixed American, 0.002%; no homozygotes.

Submission:

Color Diagnostics, LLC DBA Color Health
Classification: Uncertain significance for Von Hippel-Lindau syndrome. Last evaluated: 2025-05-13. Review status: criteria provided, single submitter. Criteria: ACMG Guidelines, 2015. Collection method: clinical testing. Allele origin: germline.
Comment: This variant is located in the 5' untranslated region of the VHL gene. To our knowledge, functional studies have not been reported for this variant. This variant has not been reported in individuals affected with VHL-related disorders in the literature. This variant has not been identified in the general population by the Genome Aggregation Database (gnomAD). The available evidence is insufficient to determine the role of this variant in disease conclusively. Therefore, this variant is classified as a Variant of Uncertain Significance.